The following is an entry in ClinVar:

Conditions:
Breast-ovarian cancer, familial, susceptibility to, 1 (BROVCA1). Also called: BRCA1 Hereditary Breast and Ovarian Cancer; OVARIAN CANCER, SUSCEPTIBILITY TO. Identifiers: Orphanet 145, MedGen C2676676, MONDO:0011450, OMIM 604370. Disease mechanism: loss of function.

Submission:

Brotman Baty Institute, University of Washington
No classification provided (evidence only). Condition: Breast-ovarian cancer, familial 1. Review status: no classification provided. Collection method: in vitro. Allele origin: not applicable. Functional consequence: functionally_normal.
ClinVar note: "not provided" was previously submitted as the classification for the variant. However, the classification appeared to be based only on an observation of functional data so it was converted to no classification on 2025-07-30.

NM_007294.4(BRCA1):c.5354A>G (p.Gln1785Arg)

Gene: BRCA1 (BRCA1 DNA repair associated; minus strand). Cytogenetic location: 17q21.31.
Variant type: single nucleotide variant.
Coding change: c.5354A>G on transcript NM_007294.4 (MANE Select); coding-DNA position 5354, A replaced by G.
Protein change: p.Gln1785Arg; replaces glutamine 1785 with arginine.
Molecular consequence: missense variant. On other transcripts: non-coding transcript variant (1), intron variant (1).
Genome position (GRCh38, 1-based): chr17:43,049,173, T>C on the plus strand (A>G on the coding strand, the complement: BRCA1 is on the minus strand). VCF-style: chr17-43049173-T-C. GRCh37 (hg19) VCF-style: chr17-41201190-T-C.
Other names: c.5141A>G, p.Gln1714Arg (NM_001407571.1, NM_001407906.1, NM_001407907.1 and 12 more transcripts); c.5420A>G, p.Gln1807Arg (NM_001407581.1, NM_001407582.1); c.5417A>G, p.Gln1806Arg (NM_001407583.1, NM_001407585.1, NM_001407587.1 and 1 more transcripts); c.5414A>G, p.Gln1805Arg (NM_001407590.1, NM_001407591.1); c.5354A>G, p.Gln1785Arg (NM_001407593.1, NM_001407594.1, NM_001407596.1 and 5 more transcripts); c.5351A>G, p.Gln1784Arg (NM_001407610.1, NM_001407611.1, NM_001407612.1 and 14 more transcripts); c.5348A>G, p.Gln1783Arg (NM_001407627.1, NM_001407628.1, NM_001407629.1 and 13 more transcripts); c.5342A>G, p.Gln1781Arg (NM_001407646.1); and 73 more; short protein forms Q1738R, Q1806R, Q1785R, Q681R, Q1656R, Q1715R, Q1717R, Q1744R.
Identifiers: ClinVar variation 868368 (VCV000868368.3), dbSNP rs876660057, ClinGen allele CA10590755.